The following is an entry in ClinVar:

NM_001195553.2(DCX):c.383C>T (p.Ser128Phe)

Gene: DCX (doublecortin; minus strand). Cytogenetic location: Xq23.
Variant type: single nucleotide variant.
Coding change: c.383C>T on transcript NM_001195553.2 (MANE Select); coding-DNA position 383, C replaced by T.
Protein change: p.Ser128Phe; replaces serine 128 with phenylalanine.
Molecular consequence: missense variant.
Genome position (GRCh38, 1-based): chrX:111,401,312, G>A on the plus strand (C>T on the coding strand, the complement: DCX is on the minus strand). VCF-style: chrX-111401312-G-A. GRCh37 (hg19) VCF-style: chrX-110644540-G-A.
Other names: c.383C>T, p.Ser128Phe (NM_001410715.1, NM_178151.3, NM_178152.3 and 6 more transcripts); c.626C>T, p.Ser209Phe (NM_000555.3); short protein forms S128F, S209F.
Identifiers: ClinVar variation 2015926 (VCV002015926.4), dbSNP rs2524836385, ClinGen allele CA414246494.

ClinVar aggregate classification (germline): Likely pathogenic (1 of 4 stars; one submission).

Submission:

Labcorp Genetics (formerly Invitae), Labcorp
Classification: Likely pathogenic. Last evaluated: 2022-09-01. Review status: criteria provided, single submitter. Criteria: Invitae Variant Classification Sherloc (09022015). Collection method: clinical testing. Allele origin: germline.
Comment: This sequence change replaces serine, which is neutral and polar, with phenylalanine, which is neutral and non-polar, at codon 128 of the DCX protein (p.Ser128Phe). In summary, the currently available evidence indicates that the variant is pathogenic, but additional data are needed to prove that conclusively. Therefore, this variant has been classified as Likely Pathogenic. Algorithms developed to predict the effect of missense changes on protein structure and function are either unavailable or do not agree on the potential impact of this missense change (SIFT: "Deleterious"; PolyPhen-2: "Probably Damaging"; Align-GVGD: "Class C15"). This missense change has been observed in individual(s) with clinical features of lissencephaly and subcortical band heterotopia (Invitae). In at least one individual the variant was observed to be de novo. This variant is not present in population databases (gnomAD no frequency).